The following is an entry in ClinVar:

NM_001024630.4(RUNX2):c.1550_1553del (p.Val517fs)

Gene: RUNX2 (RUNX family transcription factor 2; plus strand). Cytogenetic location: 6p21.1.
Variant type: Deletion.
Coding change: c.1550_1553del on transcript NM_001024630.4 (MANE Select); coding-DNA positions 1550 to 1553, 4 bases deleted (TTTG; older notation c.1550_1553delTTTG).
Protein change: p.Val517fs; shifts the reading frame from valine 517.
Molecular consequence: frameshift variant.
Genome position (GRCh38, 1-based): chr6:45,547,289-45,547,292, TTTG deleted; deleting any 4 consecutive bases within chr6:45,547,287-45,547,292 gives the same sequence; the c. name uses the placement nearest the transcript's 3' end. VCF-style (leftmost placement, unchanged base first): chr6-45547286-CTGTT-C. GRCh37 (hg19) VCF-style: chr6-45515023-CTGTT-C.
Other names: c.1484_1487del, p.Val495fs (NM_001015051.4); c.1442_1445del, p.Val481fs (NM_001278478.2); c.1508_1511del, p.Val503fs (NM_001369405.1); short protein forms V495fs, V503fs, V481fs, V517fs.
Identifiers: ClinVar variation 3720696 (VCV003720696.2).

ClinVar aggregate classification (germline): Pathogenic (1 of 4 stars; one submission).

Submission:

Labcorp Genetics (formerly Invitae), Labcorp
Classification: Pathogenic. Last evaluated: 2024-04-15. Review status: criteria provided, single submitter. Criteria: Invitae Variant Classification Sherloc (09022015). Collection method: clinical testing. Allele origin: germline.
Comment: This sequence change results in a frameshift in the RUNX2 gene (p.Val517Glyfs*61). While this is not anticipated to result in nonsense mediated decay, it is expected to disrupt the last 5 amino acid(s) of the RUNX2 protein and extend the protein by 55 additional amino acid residues. This variant is not present in population databases (gnomAD no frequency). This frameshift has been observed in individuals with cleidocranial dysplasia (PMID: 16140555, 16222673; Invitae). This variant results in an extension of the RUNX2 protein. Other variant(s) that result in a similarly extended protein product (p.Trp518Glyfs*61) have been determined to be pathogenic (PMID: 35235174). This suggests that these extensions are likely to be disease-causing. For these reasons, this variant has been classified as Pathogenic.

Literature cited by the submitters: PubMed 16140555; PubMed 16222673; PubMed 35235174.